The following is an entry in ClinVar:

ClinVar aggregate classification (germline): Uncertain significance (1 of 4 stars; one submission).

Conditions:
Autosomal recessive polycystic kidney disease (ARPKD). Also called: AR polycystic kidney disease. Identifiers: Orphanet 731, Orphanet 8378, MedGen C0085548, MeSH D017044, MONDO:0009889.

gnomAD v4.1: 5 of 1,614,182 alleles (0.00031%); highest among the groups gnomAD compares: Non-Finnish European, 0.00042%; no homozygotes.

Submission:

Labcorp Genetics (formerly Invitae), Labcorp
Classification: Uncertain significance for Autosomal recessive polycystic kidney disease. Last evaluated: 2024-12-19. Review status: criteria provided, single submitter. Criteria: Invitae Variant Classification Sherloc (09022015). Collection method: clinical testing. Allele origin: germline.
Comment: This sequence change replaces serine, which is neutral and polar, with threonine, which is neutral and polar, at codon 1584 of the PKHD1 protein (p.Ser1584Thr). This variant is present in population databases (no rsID available, gnomAD no frequency). This missense change has been observed in individual(s) with polycystic kidney disease (external communications, internal data). In at least one individual the data is consistent with being in trans (on the opposite chromosome) from a pathogenic variant. Invitae Evidence Modeling of protein sequence and biophysical properties (such as structural, functional, and spatial information, amino acid conservation, physicochemical variation, residue mobility, and thermodynamic stability) has been performed for this missense variant. However, the output from this modeling did not meet the statistical confidence thresholds required to predict the impact of this variant on PKHD1 protein function. This variant disrupts the p.Ser1584 amino acid residue in PKHD1. Other variant(s) that disrupt this residue have been determined to be pathogenic (PMID: 12874454). This suggests that this residue is clinically significant, and that variants that disrupt this residue are likely to be disease-causing. In summary, the available evidence is currently insufficient to determine the role of this variant in disease. Therefore, it has been classified as a Variant of Uncertain Significance.

Literature cited by the submitters: PubMed 12874454.

NM_138694.4(PKHD1):c.4751G>C (p.Ser1584Thr)

Genes: PKHD1 (PKHD1 ciliary IPT domain containing fibrocystin/polyductin; minus strand), LOC126859690 (MED14-independent group 3 enhancer GRCh37_chr6:51888848-51890047; plus strand). Cytogenetic location: 6p12.2.
Variant type: single nucleotide variant.
Coding change: c.4751G>C on transcript NM_138694.4 (MANE Select); coding-DNA position 4751, G replaced by C.
Protein change: p.Ser1584Thr; replaces serine 1584 with threonine.
Molecular consequence: missense variant.
Genome position (GRCh38, 1-based): chr6:52,025,059, C>G on the plus strand (G>C on the coding strand, the complement: PKHD1 is on the minus strand). VCF-style: chr6-52025059-C-G. GRCh37 (hg19) VCF-style: chr6-51889857-C-G.
Other names: c.4751G>C, p.Ser1584Thr (NM_170724.3); short protein forms S1584T.
Identifiers: ClinVar variation 3625376 (VCV003625376.2).